The following is an entry in ClinVar:

NM_003119.4(SPG7):c.2298C>G (p.Ala766=)

Gene: SPG7 (SPG7 matrix AAA peptidase subunit, paraplegin; plus strand). Cytogenetic location: 16q24.3.
Variant type: single nucleotide variant.
Coding change: c.2298C>G on transcript NM_003119.4 (MANE Select); coding-DNA position 2298, C replaced by G.
Protein change: p.Ala766=; no amino-acid change (alanine 766 retained).
Molecular consequence: synonymous variant. On other transcripts: 3 prime UTR variant (1).
Genome position (GRCh38, 1-based): chr16:89,557,003, C>G. VCF-style: chr16-89557003-C-G. GRCh37 (hg19) VCF-style: chr16-89623411-C-G.
Other names: c.*76C>G (NM_001363850.1).
Identifiers: ClinVar variation 511010 (VCV000511010.9), dbSNP rs61756187, ClinGen allele CA8244648.

ClinVar aggregate classification (germline): Likely benign. Review status: criteria provided, multiple submitters, no conflicts (2 of 4 stars). 2 submissions from 2 submitters: Likely benign (2). Last evaluated 2024-08-20.

Conditions:
Hereditary spastic paraplegia 7 (SPG7). Also called: SPASTIC PARAPLEGIA 7, AUTOSOMAL RECESSIVE, WITH OR WITHOUT CEREBELLAR ATAXIA; Spastic paraplegia 7; Hereditary spastic paraplegia Paraplegin type; Autosomal recessive spastic paraplegia type 7; SPG7-related neurologic disorder. Identifiers: Orphanet 99013, MedGen C1846564, MONDO:0011803, OMIM 607259.

Allele frequency attached by ClinVar (database versions not stated): ExAC 0.00003; gnomAD exomes 0.00003 and 0.00005; TOPMed 0.00003; gnomAD 0.00004.
gnomAD v4.1: 61 of 1,613,724 alleles (0.0038%); highest among the groups gnomAD compares: Admixed American, 0.01%; no homozygotes.

Submissions (2):

Labcorp Genetics (formerly Invitae), Labcorp
Classification: Likely benign for Hereditary spastic paraplegia 7. Last evaluated: 2024-08-20. Review status: criteria provided, single submitter. Criteria: Invitae Variant Classification Sherloc (09022015). Collection method: clinical testing. Allele origin: germline.

GeneDx
Classification: Likely benign. Last evaluated: 2017-08-08. Review status: criteria provided, single submitter. Criteria: GeneDx Variant Classification (06012015). Collection method: clinical testing. Allele origin: germline. Affected: yes.
Comment: This variant is considered likely benign or benign based on one or more of the following criteria: it is a conservative change, it occurs at a poorly conserved position in the protein, it is predicted to be benign by multiple in silico algorithms, and/or has population frequency not consistent with disease.